The following is an entry in ClinVar:

ClinVar aggregate classification (germline): Uncertain significance (1 of 4 stars; one submission).

Allele frequency attached by ClinVar (database versions not stated): gnomAD 0.00003; TOPMed 0.00003.

Submission:

Labcorp Genetics (formerly Invitae), Labcorp
Classification: Uncertain significance. Last evaluated: 2022-08-24. Review status: criteria provided, single submitter. Criteria: Invitae Variant Classification Sherloc (09022015). Collection method: clinical testing. Allele origin: germline.
Comment: Algorithms developed to predict the effect of missense changes on protein structure and function are either unavailable or do not agree on the potential impact of this missense change (SIFT: "Tolerated"; PolyPhen-2: "Possibly Damaging"; Align-GVGD: "Class C0"). This variant has not been reported in the literature in individuals affected with AK7-related conditions. This variant is present in population databases (no rsID available, gnomAD 0.02%). This sequence change replaces asparagine, which is neutral and polar, with serine, which is neutral and polar, at codon 339 of the AK7 protein (p.Asn339Ser). In summary, the available evidence is currently insufficient to determine the role of this variant in disease. Therefore, it has been classified as a Variant of Uncertain Significance.

NM_152327.5(AK7):c.1016A>G (p.Asn339Ser)

Gene: AK7 (adenylate kinase 7; plus strand). Cytogenetic location: 14q32.2.
Variant type: single nucleotide variant.
Coding change: c.1016A>G on transcript NM_152327.5 (MANE Select); coding-DNA position 1016, A replaced by G.
Protein change: p.Asn339Ser; replaces asparagine 339 with serine.
Molecular consequence: missense variant.
Genome position (GRCh38, 1-based): chr14:96,451,488, A>G. VCF-style: chr14-96451488-A-G. GRCh37 (hg19) VCF-style: chr14-96917825-A-G.
Other names: c.1016A>G, p.Asn339Ser (NM_001350888.2, NM_001350890.2, NM_001350892.2); c.938A>G, p.Asn313Ser (NM_001350891.2); short protein forms N313S, N339S.
Identifiers: ClinVar variation 1933856 (VCV001933856.3), dbSNP rs758470168, ClinGen allele CA266044515.
Genomic context (GRCh38, chr14:96,451,488, plus strand): 5'-GTCTTGACCATTTACTGGTCAACTTAAGAATGGAAGCGCTCTTTGTGAAGGAGAATTTTA[A>G]TATTCGATGGGCTGCCCAAACAGGATTTGTGGAAAATATCAACACTATCCTCAAGGAGTA-3'
Protein context (NP_689540.2, residues 329-349): MEALFVKENF[Asn339Ser]IRWAAQTGFV